The following is an entry in ClinVar:

NM_001080449.3(DNA2):c.2605G>A (p.Glu869Lys)

Gene: DNA2 (DNA replication helicase/nuclease 2; minus strand). Cytogenetic location: 10q21.3.
Variant type: single nucleotide variant.
Coding change: c.2605G>A on transcript NM_001080449.3 (MANE Select); coding-DNA position 2605, G replaced by A.
Protein change: p.Glu869Lys; replaces glutamic acid 869 with lysine.
Molecular consequence: missense variant. On other transcripts: non-coding transcript variant (1).
Genome position (GRCh38, 1-based): chr10:68,422,317, C>T on the plus strand (G>A on the coding strand, the complement: DNA2 is on the minus strand). VCF-style: chr10-68422317-C-T. GRCh37 (hg19) VCF-style: chr10-70182074-C-T.
Other names: c.2605G>A (NM_001080449.2); short protein forms E869K.
Identifiers: ClinVar variation 1932027 (VCV001932027.5), dbSNP rs369018277, ClinGen allele CA5524779.

ClinVar aggregate classification (germline): Uncertain significance. Review status: criteria provided, multiple submitters, no conflicts (2 of 4 stars). 2 submissions from 2 submitters: Uncertain significance (2). Last evaluated 2025-04-20.

Conditions:
Inborn genetic diseases. Identifiers: MedGen C0950123, MeSH D030342.

Allele frequency attached by ClinVar (database versions not stated): gnomAD exomes 0.00002; TOPMed 0.00003; ExAC 0.00002; gnomAD 0.00003; ESP Exome Variant Server 0.00008.
gnomAD v4.1: 32 of 1,613,760 alleles (0.002%); highest among the groups gnomAD compares: Non-Finnish European, 0.0025%; no homozygotes.

Submissions (2):

Ambry Genetics
Classification: Uncertain significance for Inborn genetic diseases. Last evaluated: 2025-04-20. Review status: criteria provided, single submitter. Criteria: Ambry Variant Classification Scheme 2023. Collection method: clinical testing. Allele origin: germline.

Labcorp Genetics (formerly Invitae), Labcorp
Classification: Uncertain significance. Last evaluated: 2024-10-30. Review status: criteria provided, single submitter. Criteria: Invitae Variant Classification Sherloc (09022015). Collection method: clinical testing. Allele origin: germline.
Comment: This sequence change replaces glutamic acid, which is acidic and polar, with lysine, which is basic and polar, at codon 869 of the DNA2 protein (p.Glu869Lys). This variant is present in population databases (rs369018277, gnomAD 0.004%). This variant has not been reported in the literature in individuals affected with DNA2-related conditions. ClinVar contains an entry for this variant (Variation ID: 1932027). Experimental studies and prediction algorithms are not available or were not evaluated, and the functional significance of this variant is currently unknown. In summary, the available evidence is currently insufficient to determine the role of this variant in disease. Therefore, it has been classified as a Variant of Uncertain Significance.